The following is an entry in ClinVar:

NM_001283009.2(RTEL1):c.766-356_832delinsCTGC

Genes: RTEL1 (regulator of telomere elongation helicase 1; plus strand), RTEL1-TNFRSF6B (RTEL1-TNFRSF6B readthrough (NMD candidate); plus strand). Cytogenetic location: 20q13.33.
Variant type: Indel.
Coding change: c.766-356_832delinsCTGC on transcript NM_001283009.2 (MANE Select); 356 bases into the intron before coding-DNA position 766 through coding-DNA position 832, the reference bases replaced by CTGC.
Molecular consequence: splice acceptor variant.
Genome position (GRCh38, 1-based): chr20:63,673,584-63,674,006, 423 bases replaced. GRCh37 (hg19): chr20:62,304,937-62,305,359.
Other names: p.?; c.97-356_163delinsCTGC (NM_001283010.1); c.838-356_904delinsCTGC (NM_032957.5); c.766-356_832delinsCTGC (NM_016434.4).
Identifiers: ClinVar variation 3380676 (VCV003380676.1).

ClinVar aggregate classification (germline): Uncertain significance (1 of 4 stars; one submission).

Submission:

Mayo Clinic Laboratories, Mayo Clinic
Classification: Uncertain significance. Last evaluated: 2024-07-08. Review status: criteria provided, single submitter. Criteria: ACMG Guidelines, 2015. Collection method: clinical testing. Allele origin: germline. Observed: 1 variant allele.
Comment: PM2, PVS1_strong